The following is an entry in ClinVar:

ClinVar aggregate classification (germline): Likely benign. Review status: criteria provided, single submitter (1 of 4 stars). 2 submissions from 2 submitters: Likely benign (1). 1 of the submissions does not count toward it. Last evaluated 2025-12-21.

Conditions:
DCLRE1C-related disorder. Also called: DCLRE1C-related condition.
Severe combined immunodeficiency due to DCLRE1C deficiency (RS-SCID). Also called: SCID, AUTOSOMAL RECESSIVE, T CELL-NEGATIVE, B CELL-NEGATIVE, NK CELL-POSITIVE, WITH SENSITIVITY TO IONIZING RADIATION. Identifiers: Orphanet 275, MedGen C1865371, MONDO:0011225, OMIM 602450.

Allele frequency attached by ClinVar (database versions not stated): ExAC 0.00002.
gnomAD v4.1: 14 of 1,614,006 alleles (0.00087%); highest among the groups gnomAD compares: East Asian, 0.024%; no homozygotes.

Submissions (2):

Labcorp Genetics (formerly Invitae), Labcorp
Classification: Likely benign for Athabaskan severe combined immunodeficiency. Last evaluated: 2025-12-21. Review status: criteria provided, single submitter. Criteria: Invitae Variant Classification Sherloc (09022015). Collection method: clinical testing. Allele origin: germline.

PreventionGenetics, part of Exact Sciences
Classification: Likely benign for DCLRE1C-related condition. Last evaluated: 2019-09-03. Review status: no assertion criteria provided. Collection method: clinical testing. Allele origin: germline. Not counted in ClinVar's aggregate classification.
Comment: This variant is classified as likely benign based on ACMG/AMP sequence variant interpretation guidelines (Richards et al. 2015 PMID: 25741868, with internal and published modifications).

NM_001033855.3(DCLRE1C):c.1437G>C (p.Leu479=)

Gene: DCLRE1C (DNA cross-link repair 1C; minus strand). Cytogenetic location: 10p13.
Variant type: single nucleotide variant.
Coding change: c.1437G>C on transcript NM_001033855.3 (MANE Select); coding-DNA position 1437, G replaced by C.
Protein change: p.Leu479=; no amino-acid change (leucine 479 retained).
Molecular consequence: synonymous variant. On other transcripts: non-coding transcript variant (4).
Genome position (GRCh38, 1-based): chr10:14,909,050, C>G on the plus strand (G>C on the coding strand, the complement: DCLRE1C is on the minus strand). VCF-style: chr10-14909050-C-G. GRCh37 (hg19) VCF-style: chr10-14951049-C-G.
Other names: c.1077G>C, p.Leu359= (NM_001033857.3, NM_001033858.3, NM_001289077.2 and 2 more transcripts); c.1092G>C, p.Leu364= (NM_001289076.2, NM_001289078.2, NM_001350966.2 and 1 more transcripts); c.1437G>C, p.Leu479= (NM_001350965.2); c.1437G>C (NM_001033855.2).
Identifiers: ClinVar variation 1556238 (VCV001556238.10), dbSNP rs762916677, ClinGen allele CA5416478.